The following is an entry in ClinVar:

ClinVar aggregate classification (germline): Uncertain significance (1 of 4 stars; one submission).

Submission:

Labcorp Genetics (formerly Invitae), Labcorp
Classification: Uncertain significance. Last evaluated: 2022-09-29. Review status: criteria provided, single submitter. Criteria: Invitae Variant Classification Sherloc (09022015). Collection method: clinical testing. Allele origin: germline.
Comment: In summary, the available evidence is currently insufficient to determine the role of this variant in disease. Therefore, it has been classified as a Variant of Uncertain Significance. Experimental studies and prediction algorithms are not available or were not evaluated, and the functional significance of this variant is currently unknown. This variant has not been reported in the literature in individuals affected with POLE-related conditions. Information on the frequency of this variant in the gnomAD database is not available, as this variant may be reported differently in the database. This sequence change replaces proline, which is neutral and non-polar, with serine, which is neutral and polar, at codon 418 of the POLE protein (p.Pro418Ser).

NM_006231.4(POLE):c.1251_1252delinsAT (p.Pro418Ser)

Gene: POLE (DNA polymerase epsilon, catalytic subunit; minus strand). Cytogenetic location: 12q24.33.
Variant type: Indel.
Coding change: c.1251_1252delinsAT on transcript NM_006231.4 (MANE Select); coding-DNA positions 1251 to 1252, TC replaced by AT.
Protein change: p.Pro418Ser; replaces proline 418 with serine.
Molecular consequence: missense variant.
Genome position (GRCh38, 1-based): chr12:132,673,682-132,673,683, GA replaced by AT on the plus strand (TC replaced by AT on the coding strand, the reverse complement: POLE is on the minus strand). VCF-style: chr12-132673682-GA-AT. GRCh37 (hg19) VCF-style: chr12-133250268-GA-AT.
Other names: short protein forms P418S.
Identifiers: ClinVar variation 1720643 (VCV001720643.5), dbSNP rs2542147148, ClinGen allele CA2580086072.